The following is an entry in ClinVar:

NM_004725.4(BUB3):c.458G>T (p.Gly153Val)

Gene: BUB3 (BUB3 mitotic checkpoint protein; plus strand). Cytogenetic location: 10q26.13.
Variant type: single nucleotide variant.
Coding change: c.458G>T on transcript NM_004725.4 (MANE Select); coding-DNA position 458, G replaced by T.
Protein change: p.Gly153Val; replaces glycine 153 with valine.
Molecular consequence: missense variant.
Genome position (GRCh38, 1-based): chr10:123,160,447, G>T. VCF-style: chr10-123160447-G-T. GRCh37 (hg19) VCF-style: chr10-124919963-G-T.
Other names: c.458G>T, p.Gly153Val (NM_001007793.3); short protein forms G153V.
Identifiers: ClinVar variation 1741707 (VCV001741707.2), dbSNP rs2493763161, ClinGen allele CA378626141.
Genomic context (GRCh38, chr10:123,160,447, plus strand): 5'-GTTTTGATCTTTTTTAAAAGGTATATACCCTCTCAGTGTCTGGAGACCGGCTGATTGTGG[G>T]AACAGCAGGCCGCAGAGTGTTGGTGTGGGACTTACGGAACATGGGTTACGTGCAGCAGCG-3'
Protein context (NP_004716.1, residues 143-163): LSVSGDRLIV[Gly153Val]TAGRRVLVWD

ClinVar aggregate classification (germline): Uncertain significance (1 of 4 stars; one submission).

Submission:

Ambry Genetics
Classification: Uncertain significance. Last evaluated: 2022-09-12. Review status: criteria provided, single submitter. Criteria: Ambry Variant Classification Scheme 2023. Collection method: clinical testing. Allele origin: germline.
Comment: The p.G153V variant (also known as c.458G>T), located in coding exon 4 of the BUB3 gene, results from a G to T substitution at nucleotide position 458. The glycine at codon 153 is replaced by valine, an amino acid with dissimilar properties. This amino acid position is conserved. In addition, this alteration is predicted to be deleterious by in silico analysis. Since supporting evidence is limited at this time, the clinical significance of this alteration remains unclear.